The following is an entry in ClinVar:

ClinVar aggregate classification (germline): Uncertain significance. Review status: criteria provided, single submitter (1 of 4 stars). 2 submissions from 2 submitters: Uncertain significance (1). 1 of the submissions does not count toward it. Last evaluated 2025-05-01.

Allele frequency attached by ClinVar (database versions not stated): gnomAD exomes 0.00002; gnomAD 0.00003 and 0.00004; TOPMed 0.00003.
gnomAD v4.1: 31 of 1,613,916 alleles (0.0019%); highest among the groups gnomAD compares: African/African-American, 0.0053%; no homozygotes.

Submissions (2):

Labcorp Genetics (formerly Invitae), Labcorp
Classification: Uncertain significance. Last evaluated: 2025-05-01. Review status: criteria provided, single submitter. Criteria: Invitae Variant Classification Sherloc (09022015). Collection method: clinical testing. Allele origin: germline.
Comment: This sequence change replaces arginine, which is basic and polar, with tryptophan, which is neutral and slightly polar, at codon 395 of the WDR11 protein (p.Arg395Trp). This variant is present in population databases (rs201051480, gnomAD 0.01%). This missense change has been observed in individual(s) with idiopathic hypogonadotropic hypogonadism (PMID: 20887964). ClinVar contains an entry for this variant (Variation ID: 68838). An algorithm developed to predict the effect of missense changes on protein structure and function (PolyPhen-2) suggests that this variant is likely to be disruptive. Experimental studies are conflicting or provide insufficient evidence to determine the effect of this variant on WDR11 function (PMID: 20887964, 29263200). In summary, the available evidence is currently insufficient to determine the role of this variant in disease. Therefore, it has been classified as a Variant of Uncertain Significance.

UniProtKB/Swiss-Prot
No classification provided. Review status: no classification provided. Collection method: not provided. Allele origin: not provided. Not counted in ClinVar's aggregate classification.

Literature cited by the submitters: PubMed 20887964 (cited by Labcorp Genetics (formerly Invitae), Labcorp); PubMed 29263200 (cited by Labcorp Genetics (formerly Invitae), Labcorp).

NM_018117.12(WDR11):c.1183C>T (p.Arg395Trp)

Gene: WDR11 (WD repeat domain 11; plus strand). Cytogenetic location: 10q26.12.
Variant type: single nucleotide variant.
Coding change: c.1183C>T on transcript NM_018117.12 (MANE Select); coding-DNA position 1183, C replaced by T.
Protein change: p.Arg395Trp; replaces arginine 395 with tryptophan.
Molecular consequence: missense variant.
Genome position (GRCh38, 1-based): chr10:120,866,757, C>T. VCF-style: chr10-120866757-C-T. GRCh37 (hg19) VCF-style: chr10-122626269-C-T.
Other names: short protein forms R395W.
Identifiers: ClinVar variation 68838 (VCV000068838.2), dbSNP rs201051480, ClinGen allele CA220077.